The following is an entry in ClinVar:

NM_025179.4(PLXNA2):c.4605C>T (p.Ala1535=)

Gene: PLXNA2 (plexin A2; minus strand). Cytogenetic location: 1q32.2.
Variant type: single nucleotide variant.
Coding change: c.4605C>T on transcript NM_025179.4 (MANE Select); coding-DNA position 4605, C replaced by T.
Protein change: p.Ala1535=; no amino-acid change (alanine 1535 retained).
Molecular consequence: synonymous variant.
Genome position (GRCh38, 1-based): chr1:208,038,880, G>A on the plus strand (C>T on the coding strand, the complement: PLXNA2 is on the minus strand). VCF-style: chr1-208038880-G-A. GRCh37 (hg19) VCF-style: chr1-208212225-G-A.
Identifiers: ClinVar variation 3357807 (VCV003357807.1).

ClinVar aggregate classification (germline): Likely benign (0 of 4 stars; one submission).

Conditions:
PLXNA2-related disorder. Also called: PLXNA2-related condition.

gnomAD v4.1: 15 of 1,613,956 alleles (0.00093%); highest among the groups gnomAD compares: East Asian, 0.0045%; no homozygotes.

Submission:

PreventionGenetics, part of Exact Sciences
Classification: Likely benign for PLXNA2-related condition. Last evaluated: 2023-11-08. Review status: no assertion criteria provided. Collection method: clinical testing. Allele origin: germline.
Comment: This variant is classified as likely benign based on ACMG/AMP sequence variant interpretation guidelines (Richards et al. 2015 PMID: 25741868, with internal and published modifications).